The following is an entry in ClinVar:

NM_007294.4(BRCA1):c.5573T>C (p.Ile1858Thr)

Gene: BRCA1 (BRCA1 DNA repair associated; minus strand). Cytogenetic location: 17q21.31.
Variant type: single nucleotide variant.
Coding change: c.5573T>C on transcript NM_007294.4 (MANE Select); coding-DNA position 5573, T replaced by C.
Protein change: p.Ile1858Thr; replaces isoleucine 1858 with threonine.
Molecular consequence: missense variant. On other transcripts: 3 prime UTR variant (1), non-coding transcript variant (1).
Genome position (GRCh38, 1-based): chr17:43,045,697, A>G on the plus strand (T>C on the coding strand, the complement: BRCA1 is on the minus strand). VCF-style: chr17-43045697-A-G. GRCh37 (hg19) VCF-style: chr17-41197714-A-G.
Other names: c.5495T>C, p.Ile1832Thr (NM_001407655.1, NM_001407652.1, NM_001407653.1 and 1 more transcripts); c.5492T>C, p.Ile1831Thr (NM_001407656.1, NM_001407657.1, NM_001407658.1); c.5489T>C, p.Ile1830Thr (NM_001407659.1, NM_001407660.1, NM_001407661.1 and 2 more transcripts); c.5447T>C, p.Ile1816Thr (NM_001407670.1, NM_001407671.1, NM_001407672.1 and 8 more transcripts); c.5444T>C, p.Ile1815Thr (NM_001407689.1, NM_001407681.1, NM_001407682.1 and 6 more transcripts); c.5441T>C, p.Ile1814Thr (NM_001407690.1, NM_001407691.1); c.5432T>C, p.Ile1811Thr (NM_001407692.1, NM_001407694.1, NM_001407695.1 and 12 more transcripts); c.5429T>C, p.Ile1810Thr (NM_001407734.1, NM_001407735.1, NM_001407736.1 and 18 more transcripts); and 74 more; short protein forms I1858T, I754T, I1879T, I1811T, I1704T, I1814T, I1830T, I1831T.
Identifiers: ClinVar variation 186496 (VCV000186496.30), dbSNP rs755427809, ClinGen allele CA003728.

ClinVar aggregate classification (germline): Conflicting classifications of pathogenicity. Review status: criteria provided, conflicting classifications (1 of 4 stars). 9 submissions from 9 submitters: Uncertain significance (5); Benign (1); Likely benign (2). 1 of the submissions does not count toward it. Last evaluated 2025-08-25.

Conditions:
Hereditary cancer-predisposing syndrome. Also called: Hereditary Cancer Syndrome; Hereditary neoplastic syndrome; Tumor predisposition; Neoplastic Syndromes, Hereditary. Identifiers: Orphanet 140162, MedGen C0027672, MeSH D009386, MONDO:0015356.
Hereditary breast ovarian cancer syndrome. Also called: Hereditary breast and ovarian cancer syndrome; Hereditary breast and ovarian cancer syndrome (HBOC); BRCA1- and BRCA2-Associated Hereditary Breast and Ovarian Cancer; Breast and ovarian cancer; Hereditary breast and ovarian cancer; Hereditary breast and/or ovarian cancer syndrome. Identifiers: Orphanet 145, MedGen C0677776, MeSH D061325, MONDO:0003582. Disease mechanism: loss of function.
Breast-ovarian cancer, familial, susceptibility to, 1 (BROVCA1). Also called: OVARIAN CANCER, SUSCEPTIBILITY TO; BRCA1 Hereditary Breast and Ovarian Cancer. Identifiers: Orphanet 145, MedGen C2676676, MONDO:0011450, OMIM 604370. Disease mechanism: loss of function.

Allele frequency attached by ClinVar (database versions not stated): gnomAD 0.00001; TOPMed 0.00001; ExAC 0.00048.

Submissions (9):

Labcorp Genetics (formerly Invitae), Labcorp
Classification: Likely benign for Hereditary breast ovarian cancer syndrome. Last evaluated: 2025-08-25. Review status: criteria provided, single submitter. Criteria: Invitae Variant Classification Sherloc (09022015). Collection method: clinical testing. Allele origin: germline.

Women's Health and Genetics/Laboratory Corporation of America, LabCorp
Classification: Uncertain significance. Last evaluated: 2024-08-26. Review status: criteria provided, single submitter. Criteria: LabCorp Variant Classification Summary - May 2015. Collection method: clinical testing. Allele origin: germline.
Comment: Variant summary: BRCA1 c.5573T>C (p.Ile1858Thr) results in a non-conservative amino acid change in the encoded protein sequence. Three of five in-silico tools predict a benign effect of the variant on protein function. The frequency data for this variant in gnomAD is considered unreliable, as metrics indicate poor data quality at this position. c.5573T>C has been reported in the literature in individuals affected with Prostate Cancer (e.g. Zuhlke_2004, Giri_2022). These report(s) do not provide unequivocal conclusions about association of the variant with Prostate Cancer. To our knowledge, no experimental evidence demonstrating an impact on protein function has been reported. The following publications have been ascertained in the context of this evaluation (PMID: 15447980, 35666082). ClinVar contains an entry for this variant (Variation ID: 186496). Based on the evidence outlined above, the variant was classified as uncertain significance.

Quest Diagnostics Nichols Institute San Juan Capistrano
Classification: Uncertain significance. Last evaluated: 2024-05-06. Review status: criteria provided, single submitter. Criteria: Quest Diagnostics criteria. Collection method: clinical testing. Allele origin: unknown.
Comment: The BRCA1 c.5573T>C (p.Ile1858Thr) variant has been reported in the published literature in individuals with prostate cancer (PMID: 15447980 (2004), 35666082 (2022)). The frequency of this variant in the general population, 0.00032 (8/24640 chromosomes (Genome Aggregation Database)), is uninformative in the assessment of its pathogenicity. Analysis of this variant using bioinformatics tools for the prediction of the effect of amino acid changes on protein structure and function yielded conflicting predictions that this variant is deleterious or benign. Based on the available information, we are unable to determine the clinical significance of this variant.

Baylor Genetics
Classification: Uncertain significance for Breast-ovarian cancer, familial, susceptibility to, 1. Last evaluated: 2023-07-13. Review status: criteria provided, single submitter. Criteria: ACMG Guidelines, 2015. Collection method: clinical testing. Allele origin: unknown.

All of Us Research Program, National Institutes of Health
Classification: Uncertain significance for Breast-ovarian cancer, familial, susceptibility to, 1. Last evaluated: 2023-06-26. Review status: criteria provided, single submitter. Criteria: ACMG Guidelines, 2015. Collection method: clinical testing. Allele origin: germline. Inheritance: Autosomal dominant inheritance. Observed: 1 variant allele, 1 heterozygote.
Comment: This missense variant replaces isoleucine with threonine at codon 1858 of the BRCA1 protein. Computational prediction is inconclusive regarding the impact of this variant on protein structure and function (internally defined REVEL score threshold 0.5 < inconclusive < 0.7, PMID: 27666373). To our knowledge, functional studies have not been reported for this variant. This variant has been reported in two related individuals affected with prostate cancer (PMID: 15447980). This variant has not been identified in the general population by the Genome Aggregation Database (gnomAD). The available evidence is insufficient to determine the role of this variant in disease conclusively. Therefore, this variant is classified as a Variant of Uncertain Significance.

This study involves interpretation of variants in research participants for the purpose of population health screening. Participant phenotype was not available at the time of variant classification. Additional details can be found in publication PMID: 35346344, PMCID: PMC8962531

Color Diagnostics, LLC DBA Color Health
Classification: Uncertain significance for Hereditary cancer-predisposing syndrome. Last evaluated: 2023-06-07. Review status: criteria provided, single submitter. Criteria: ACMG Guidelines, 2015. Collection method: clinical testing. Allele origin: germline.
Comment: This missense variant replaces isoleucine with threonine at codon 1858 of the BRCA1 protein. Computational prediction is inconclusive regarding the impact of this variant on protein structure and function (internally defined REVEL score threshold 0.5 < inconclusive < 0.7, PMID: 27666373). To our knowledge, functional studies have not been reported for this variant. This variant has been reported in two related individuals affected with prostate cancer (PMID: 15447980). This variant has not been identified in the general population by the Genome Aggregation Database (gnomAD). The available evidence is insufficient to determine the role of this variant in disease conclusively. Therefore, this variant is classified as a Variant of Uncertain Significance.

Ambry Genetics
Classification: Likely benign for Hereditary cancer-predisposing syndrome. Last evaluated: 2021-07-09. Review status: criteria provided, single submitter. Criteria: Ambry Variant Classification Scheme 2023. Collection method: clinical testing. Allele origin: germline.

Mendelics
Classification: Benign for Breast-ovarian cancer, familial, susceptibility to, 1. Last evaluated: 2019-05-28. Review status: criteria provided, single submitter. Criteria: Mendelics Assertion Criteria 2017. Collection method: clinical testing. Allele origin: unknown.

Counsyl
Classification: Uncertain significance for Breast-ovarian cancer, familial, susceptibility to, 1. Last evaluated: 2018-01-08. Review status: no assertion criteria provided. Collection method: clinical testing. Allele origin: unknown. Not counted in ClinVar's aggregate classification.

Literature cited by the submitters: PubMed 15447980 (cited by 6 submitters); PubMed 35666082 (cited by Women's Health and Genetics/Laboratory Corporation of America, LabCorp and Quest Diagnostics Nichols Institute San Juan Capistrano); PubMed 26295337 (cited by Quest Diagnostics Nichols Institute San Juan Capistrano).